The following is an entry in ClinVar:

ClinVar aggregate classification (germline): Uncertain significance (1 of 4 stars; one submission).

Submission:

Labcorp Genetics (formerly Invitae), Labcorp
Classification: Uncertain significance. Last evaluated: 2022-06-03. Review status: criteria provided, single submitter. Criteria: Invitae Variant Classification Sherloc (09022015). Collection method: clinical testing. Allele origin: germline.
Comment: In summary, the available evidence is currently insufficient to determine the role of this variant in disease. Therefore, it has been classified as a Variant of Uncertain Significance. This variant is not present in population databases (gnomAD no frequency). This sequence change replaces proline, which is neutral and non-polar, with leucine, which is neutral and non-polar, at codon 73 of the UQCC2 protein (p.Pro73Leu). This variant has not been reported in the literature in individuals affected with UQCC2-related conditions. Algorithms developed to predict the effect of missense changes on protein structure and function (SIFT, PolyPhen-2, Align-GVGD) all suggest that this variant is likely to be disruptive.

NM_032340.4(UQCC2):c.218C>T (p.Pro73Leu)

Gene: UQCC2 (ubiquinol-cytochrome c reductase complex assembly factor 2; minus strand). Cytogenetic location: 6p21.31.
Variant type: single nucleotide variant.
Coding change: c.218C>T on transcript NM_032340.4 (MANE Select); coding-DNA position 218, C replaced by T.
Protein change: p.Pro73Leu; replaces proline 73 with leucine.
Molecular consequence: missense variant.
Genome position (GRCh38, 1-based): chr6:33,700,509, G>A on the plus strand (C>T on the coding strand, the complement: UQCC2 is on the minus strand). VCF-style: chr6-33700509-G-A. GRCh37 (hg19) VCF-style: chr6-33668286-G-A.
Other names: short protein forms P73L.
Identifiers: ClinVar variation 1969728 (VCV001969728.5), dbSNP rs1765626472, ClinGen allele CA363719204.